The following is an entry in ClinVar:

NM_004415.4(DSP):c.7546A>C (p.Arg2516=)

Gene: DSP (desmoplakin; plus strand). Cytogenetic location: 6p24.3.
Variant type: single nucleotide variant.
Coding change: c.7546A>C on transcript NM_004415.4 (MANE Select); coding-DNA position 7546, A replaced by C.
Protein change: p.Arg2516=; no amino-acid change (arginine 2516 retained).
Molecular consequence: synonymous variant.
Genome position (GRCh38, 1-based): chr6:7,584,808, A>C. VCF-style: chr6-7584808-A-C. GRCh37 (hg19) VCF-style: chr6-7585041-A-C.
Other names: c.6217A>C, p.Arg2073= (NM_001319034.2); c.5749A>C, p.Arg1917= (NM_001008844.3).
Identifiers: ClinVar variation 3071918 (VCV003071918.3), dbSNP rs1304859870, ClinGen allele CA448716409.

ClinVar aggregate classification (germline): Conflicting classifications of pathogenicity. Review status: criteria provided, conflicting classifications (1 of 4 stars). 2 submissions from 2 submitters: Uncertain significance (1); Likely benign (1). Last evaluated 2024-09-16.

Conditions:
Arrhythmogenic cardiomyopathy with wooly hair and keratoderma. Also called: PALMOPLANTAR KERATODERMA WITH LEFT VENTRICULAR CARDIOMYOPATHY AND WOOLLY HAIR; Carvajal syndrome; Dilated cardiomyopathy with woolly hair and keratoderma; Arrhythmogenic cardiomyopathy with woolly hair and keratoderma. Identifiers: Orphanet 65282, MedGen C1854063, MONDO:0011581, OMIM 605676.
Arrhythmogenic right ventricular dysplasia 8 (ARVD8). Also called: ARRHYTHMOGENIC RIGHT VENTRICULAR DYSPLASIA, FAMILIAL, 8; ARRHYTHMOGENIC RIGHT VENTRICULAR CARDIOMYOPATHY 8; Arrhythmogenic Right Ventricular Dysplasia/Cardiomyopathy 8. Identifiers: MedGen C1843896, MONDO:0011831, OMIM 607450.

gnomAD v4.1: 17 of 1,614,242 alleles (0.0011%); highest among the groups gnomAD compares: Non-Finnish European, 0.0014%; no homozygotes.

Submissions (2):

Labcorp Genetics (formerly Invitae), Labcorp
Classification: Likely benign for Arrhythmogenic cardiomyopathy with wooly hair and keratoderma; Arrhythmogenic right ventricular dysplasia 8. Last evaluated: 2024-09-16. Review status: criteria provided, single submitter. Criteria: Invitae Variant Classification Sherloc (09022015). Collection method: clinical testing. Allele origin: germline.

All of Us Research Program, National Institutes of Health
Classification: Uncertain significance for Arrhythmogenic cardiomyopathy with wooly hair and keratoderma. Last evaluated: 2023-06-26. Review status: criteria provided, single submitter. Criteria: ACMG Guidelines, 2015. Collection method: clinical testing. Allele origin: germline. Inheritance: Autosomal dominant inheritance. Observed: 1 variant allele, 1 heterozygote.
Comment: This variant is located in the DSP protein. To our knowledge, functional studies have not been reported for this variant. This variant has not been reported in individuals affected with DSP-related disorders in the literature. This variant has been identified in 1/251494 chromosomes in the general population by the Genome Aggregation Database (gnomAD). The available evidence is insufficient to determine the role of this variant in disease conclusively. Therefore, this variant is classified as a Variant of Uncertain Significance.

This study involves interpretation of variants in research participants for the purpose of population health screening. Participant phenotype was not available at the time of variant classification. Additional details can be found in publication PMID: 35346344, PMCID: PMC8962531